The following is an entry in ClinVar:

ClinVar aggregate classification (germline): Conflicting classifications of pathogenicity. Review status: criteria provided, conflicting classifications (1 of 4 stars). 2 submissions from 2 submitters: Uncertain significance (1); Likely benign (1). Last evaluated 2025-10-08.

Conditions:
Primary ciliary dyskinesia. Also called: Ciliary dyskinesia. Identifiers: Orphanet 244, MedGen C0008780, MONDO:0016575, HP:0012265.

Allele frequency attached by ClinVar (database versions not stated): ExAC 0.00001; gnomAD 0.00001; ESP Exome Variant Server 0.00008.
gnomAD v4.1: 13 of 1,609,606 alleles (0.00081%); highest among the groups gnomAD compares: Non-Finnish European, 0.0011%; no homozygotes.

Submissions (2):

Mayo Clinic Laboratories, Mayo Clinic
Classification: Uncertain significance. Last evaluated: 2025-10-08. Review status: criteria provided, single submitter. Criteria: ACMG Guidelines, 2015. Collection method: clinical testing. Allele origin: germline. Observed: 1 variant allele.
Comment: BP4

Labcorp Genetics (formerly Invitae), Labcorp
Classification: Likely benign for Primary ciliary dyskinesia. Last evaluated: 2023-06-27. Review status: criteria provided, single submitter. Criteria: Invitae Variant Classification Sherloc (09022015). Collection method: clinical testing. Allele origin: germline.

NM_001277115.2(DNAH11):c.10219C>G (p.Leu3407Val)

Gene: DNAH11 (dynein axonemal heavy chain 11; plus strand). Cytogenetic location: 7p15.3.
Variant type: single nucleotide variant.
Coding change: c.10219C>G on transcript NM_001277115.2 (MANE Select); coding-DNA position 10219, C replaced by G.
Protein change: p.Leu3407Val; replaces leucine 3407 with valine.
Molecular consequence: missense variant.
Genome position (GRCh38, 1-based): chr7:21,807,936, C>G. VCF-style: chr7-21807936-C-G. GRCh37 (hg19) VCF-style: chr7-21847554-C-G.
Other names: p.Leu3407Val; c.10240C>G, p.Leu3414Val (NM_003777.3); short protein forms L3414V, L3407V.
Identifiers: ClinVar variation 2723794 (VCV002723794.3), dbSNP rs368656954, ClinGen allele CA4182288.